The following is an entry in ClinVar:

ClinVar aggregate classification (germline): Pathogenic (1 of 4 stars; one submission).

Conditions:
Neurofibromatosis, type 1 (NF1). Also called: Neurofibromatosis, type I; VON RECKLINGHAUSEN DISEASE; NEUROFIBROMATOSIS, TYPE I, SOMATIC; Peripheral type neurofibromatosis. Identifiers: Orphanet 636, MedGen C0027831, MONDO:0018975, OMIM 162200. Disease mechanism: loss of function.

Submission:

Labcorp Genetics (formerly Invitae), Labcorp
Classification: Pathogenic for Neurofibromatosis, type 1. Last evaluated: 2021-02-02. Review status: criteria provided, single submitter. Criteria: Invitae Variant Classification Sherloc (09022015). Collection method: clinical testing. Allele origin: germline.
Comment: For these reasons, this variant has been classified as Pathogenic. Algorithms developed to predict the effect of sequence changes on RNA splicing suggest that this variant may create or strengthen a splice site, but this prediction has not been confirmed by published transcriptional studies. This variant has not been reported in the literature in individuals with NF1-related conditions. This variant is not present in population databases (ExAC no frequency). This sequence change creates a premature translational stop signal (p.Phe2144Valfs*4) in the NF1 gene. It is expected to result in an absent or disrupted protein product. Loss-of-function variants in NF1 are known to be pathogenic (PMID: 10712197, 23913538).

Literature cited by the submitters: PubMed 10712197; PubMed 23913538.

NM_001042492.3(NF1):c.6492dup (p.Phe2165fs)

Gene: NF1 (neurofibromin 1; plus strand). Cytogenetic location: 17q11.2.
Variant type: Duplication.
Coding change: c.6492dup on transcript NM_001042492.3 (MANE Select); coding-DNA position 6492, one base duplicated (G; older notation c.6492dupG).
Protein change: p.Phe2165fs; shifts the reading frame from phenylalanine 2165.
Molecular consequence: frameshift variant.
Genome position (GRCh38, 1-based): chr17:31,337,432, G duplicated. VCF-style (leftmost placement, unchanged base first): chr17-31337431-T-TG. GRCh37 (hg19) VCF-style: chr17-29664449-T-TG.
Other names: c.6429dup, p.Phe2144Valfs (NM_000267.4); short protein forms F2165fs, F2144fs.
Identifiers: ClinVar variation 1452771 (VCV001452771.6), dbSNP rs2151556162, ClinGen allele CA2573153838.